The following is an entry in ClinVar:

NM_000179.3(MSH6):c.3172+9_3172+10insGTTC

Gene: MSH6 (mutS homolog 6; plus strand). Cytogenetic location: 2p16.3.
Variant type: Insertion.
Coding change: c.3172+9_3172+10insGTTC on transcript NM_000179.3 (MANE Select); bases 9 to 10 of the intron after coding-DNA position 3172, GTTC inserted.
Molecular consequence: intron variant.
Genome position: GRCh38 VCF-style: chr2-47801164-T-TGTTC. GRCh37 (hg19) VCF-style: chr2-48028303-T-TGTTC.
Other names: c.2266+9_2266+10insGTTC (NM_001281493.2, NM_001281494.2); c.2782+9_2782+10insGTTC (NM_001281492.2).
Identifiers: ClinVar variation 495710 (VCV000495710.16), dbSNP rs1553414607, ClinGen allele CA658683243.

ClinVar aggregate classification (germline): Conflicting classifications of pathogenicity. Review status: criteria provided, conflicting classifications (1 of 4 stars). 4 submissions from 4 submitters: Uncertain significance (1); Likely benign (3). Last evaluated 2025-12-21.

Conditions:
Lynch syndrome 5 (LYNCH5). Also called: Hereditary non-polyposis colorectal cancer, type 5; Colorectal cancer, hereditary nonpolyposis, type 5. Identifiers: Orphanet 144, MedGen C1833477, MONDO:0013710, OMIM 614350. Disease mechanism: loss of function.
Hereditary nonpolyposis colorectal neoplasms. Identifiers: MedGen C0009405, MeSH D003123.

Submissions (4):

Labcorp Genetics (formerly Invitae), Labcorp
Classification: Likely benign for Hereditary nonpolyposis colorectal neoplasms. Last evaluated: 2025-12-21. Review status: criteria provided, single submitter. Criteria: Invitae Variant Classification Sherloc (09022015). Collection method: clinical testing. Allele origin: germline.

Myriad Genetics, Inc.
Classification: Likely benign for Lynch syndrome 5. Last evaluated: 2025-01-03. Review status: criteria provided, single submitter. Criteria: Myriad Autosomal Dominant, Autosomal Recessive and X-Linked Classification Criteria (2023). Collection method: clinical testing. Allele origin: unknown.
Comment: This variant is considered likely benign. This variant is intronic and is not expected to impact mRNA splicing.

Women's Health and Genetics/Laboratory Corporation of America, LabCorp
Classification: Likely benign. Last evaluated: 2024-12-20. Review status: criteria provided, single submitter. Criteria: LabCorp Variant Classification Summary - May 2015. Collection method: clinical testing. Allele origin: germline.
Comment: Variant summary: MSH6 c.3172+9_3172+10insGTTC alters a non-conserved nucleotide located at a position not widely known to affect splicing. Consensus agreement among computation tools predict no significant impact on normal splicing. However, these predictions have yet to be confirmed by functional studies. The variant was absent in 243046 control chromosomes (gnomAD). The available data on variant occurrences in the general population are insufficient to allow any conclusion about variant significance. To our knowledge, no occurrence of c.3172+9_3172+10insGTTC in individuals affected with Hereditary Nonpolyposis Colorectal Cancer and no experimental evidence demonstrating its impact on protein function have been reported. ClinVar contains an entry for this variant (Variation ID: 495710). Based on the evidence outlined above, the variant was classified as likely benign.

Quest Diagnostics Nichols Institute San Juan Capistrano
Classification: Uncertain significance. Last evaluated: 2024-01-11. Review status: criteria provided, single submitter. Criteria: Quest Diagnostics criteria. Collection method: clinical testing. Allele origin: unknown.
Comment: The MSH6 c.3172+9_3172+10insGTTC variant has not been reported in individuals with MSH6-related conditions in the published literature. It also has not been reported in large, multi-ethnic general populations (Genome Aggregation Database). Analysis of this variant using software algorithms for the prediction of the effect of nucleotide changes on splicing yielded predictions that this variant does not affect MSH6 mRNA splicing. Based on the available information, we are unable to determine the clinical significance of this variant.